The following is an entry in ClinVar:

NM_145290.4(ADGRA3):c.2549T>C (p.Ile850Thr)

Gene: ADGRA3 (adhesion G protein-coupled receptor A3; minus strand). Cytogenetic location: 4p15.2.
Variant type: single nucleotide variant.
Coding change: c.2549T>C on transcript NM_145290.4 (MANE Select); coding-DNA position 2549, T replaced by C.
Protein change: p.Ile850Thr; replaces isoleucine 850 with threonine.
Molecular consequence: missense variant.
Genome position (GRCh38, 1-based): chr4:22,392,623, A>G on the plus strand (T>C on the coding strand, the complement: ADGRA3 is on the minus strand). VCF-style: chr4-22392623-A-G. GRCh37 (hg19) VCF-style: chr4-22394246-A-G.
Other names: short protein forms I850T.
Identifiers: ClinVar variation 2800598 (VCV002800598.3), dbSNP rs1396674772, ClinGen allele CA356476096.

ClinVar aggregate classification (germline): Uncertain significance (1 of 4 stars; one submission).

Allele frequency attached by ClinVar (database versions not stated): gnomAD exomes below 0.00001; TOPMed below 0.00001.
gnomAD v4.1: 2 of 1,613,936 alleles (0.00012%); highest among the groups gnomAD compares: South Asian, 0.0011%; no homozygotes.

Submission:

Labcorp Genetics (formerly Invitae), Labcorp
Classification: Uncertain significance. Last evaluated: 2023-03-08. Review status: criteria provided, single submitter. Criteria: Invitae Variant Classification Sherloc (09022015). Collection method: clinical testing. Allele origin: germline.
Comment: In summary, the available evidence is currently insufficient to determine the role of this variant in disease. Therefore, it has been classified as a Variant of Uncertain Significance. An algorithm developed to predict the effect of missense changes on protein structure and function (PolyPhen-2) suggests that this variant is likely to be disruptive. This variant has not been reported in the literature in individuals affected with ADGRA3-related conditions. This variant is not present in population databases (gnomAD no frequency). This sequence change replaces isoleucine, which is neutral and non-polar, with threonine, which is neutral and polar, at codon 850 of the ADGRA3 protein (p.Ile850Thr).